The following is an entry in ClinVar:

NM_000070.3(CAPN3):c.2242C>T (p.Arg748Ter)

Gene: CAPN3 (calpain 3; plus strand). Cytogenetic location: 15q15.1.
Variant type: single nucleotide variant.
Coding change: c.2242C>T on transcript NM_000070.3 (MANE Select); coding-DNA position 2242, C replaced by T.
Protein change: p.Arg748Ter; replaces arginine 748 with a stop codon.
Molecular consequence: nonsense.
Genome position (GRCh38, 1-based): chr15:42,410,645, C>T. VCF-style: chr15-42410645-C-T. GRCh37 (hg19) VCF-style: chr15-42702843-C-T.
Other names: NM_000070.3(CAPN3):c.2242C>T; p.Arg748Ter; c.2224C>T, p.Arg742Ter (NM_024344.2); c.1966C>T, p.Arg656Ter (NM_173087.2); c.706C>T, p.Arg236Ter (NM_173088.2); c.247C>T, p.Arg83Ter (NM_173089.2, NM_173090.2); short protein forms R748*, R236*, R656*, R742*, R83*.
Identifiers: ClinVar variation 283259 (VCV000283259.34), dbSNP rs768090444, ClinGen allele CA7511779.

ClinVar aggregate classification (germline): Pathogenic. Review status: reviewed by expert panel (3 of 4 stars). 13 submissions from 13 submitters: Pathogenic (1). 12 of the submissions do not count toward it. Last evaluated 2025-01-09.

Conditions:
Muscular dystrophy, limb-girdle, autosomal dominant 4. Also called: Calpain-3-related limb-girdle muscular dystrophy D4; MUSCULAR DYSTROPHY, LIMB-GIRDLE, TYPE 1I. Identifiers: Orphanet 565909, MedGen C4748295, MONDO:0029133, OMIM 618129.
Autosomal recessive limb-girdle muscular dystrophy type 2A (LGMDR1). Also called: Muscular dystrophy, limb-girdle, type 2A, Amish; Limb-girdle muscular dystrophy, type 2A; Calpainopathy; LEYDEN-MOEBIUS MUSCULAR DYSTROPHY; MUSCULAR DYSTROPHY, PELVOFEMORAL. Identifiers: Orphanet 267, MedGen C1869123, MONDO:0009675, OMIM 253600. Disease mechanism: loss of function.
CAPN3-related disorder. Also called: CAPN3-related condition; CAPN3-related disorders. Identifiers: MedGen CN239245.
Autosomal recessive limb-girdle muscular dystrophy. Identifiers: Orphanet 102015, MedGen C2931907, MONDO:0015152.

Allele frequency attached by ClinVar (database versions not stated): gnomAD exomes below 0.00001; ExAC 0.00001; gnomAD 0.00002; TOPMed 0.00002.

Submissions (13):

ClinGen Limb Girdle Muscular Dystrophy Variant Curation Expert Panel, ClinGen
Classification: Pathogenic for Autosomal recessive limb-girdle muscular dystrophy. Last evaluated: 2025-01-09. Review status: reviewed by expert panel. Criteria: ClinGen LGMD VCEP ACMG Specifications CAPN3 V1.0.0. Collection method: curation. Allele origin: germline. Inheritance: Autosomal recessive inheritance.
Comment: The NM_000070.3: c.2242C>T p.(Arg748Ter) variant in CAPN3, which is also known as p.(Arg748del), is a nonsense variant predicted to cause a premature stop codon in biologically relevant exon 21/24, leading to nonsense mediated decay in a gene in which loss of function is an established disease mechanism. mRNA analysis demonstrated reduced expression of the transcript containing the variant, consistent with nonsense mediated decay (PMID: 17157502) (PVS1). This variant has been detected in at least six individuals reported to have autosomal recessive LGMD (PMID: 25214167, 12461690, 16971480, 17157502, 18055493; Washington University internal clinic data communication). In at least one case, the variant was identified in unknown phase with a pathogenic variant (c.1468C>T p.(Arg490Trp), 0.5 pts, PMID: 16971480), and in at least two cases, the variant was identified in trans with a second CAPN3 variant not yet curated by the VCEP and considered VUS (0.5 pts, PMID: 12461690, 17157502) (PM3). At least one patient with this variant was clinically suspected to have limb girdle muscular dystrophy and displayed reduced calpain-3 protein expression, which is specific for CAPN3-related LGMD (PP4_Moderate; PMID: 16971480). The filtering allele frequency of the variant is 0.000114 for European (non-Finnish) genome alleles in gnomAD v3.1.2 (the upper threshold of the 95% CI of 3/68008), which is more than the LGMD VCEP threshold (<0.0001) for PM2_Supporting (criterion not met). In summary, this variant meets the criteria to be classified as Pathogenic for autosomal recessive limb girdle muscular dystrophy based on the ACMG/AMP criteria applied, as specified by the ClinGen LGMD VCEP (LGMD VCEP specifications version 1.0.0; 01/09/2025): PVS1, PM3, PP4_Moderate.

Labcorp Genetics (formerly Invitae), Labcorp
Classification: Pathogenic for Autosomal recessive limb-girdle muscular dystrophy type 2A. Last evaluated: 2025-12-10. Review status: criteria provided, single submitter. Criteria: Invitae Variant Classification Sherloc (09022015). Collection method: clinical testing. Allele origin: germline. Not counted in ClinVar's aggregate classification.
Comment: This sequence change creates a premature translational stop signal (p.Arg748*) in the CAPN3 gene. It is expected to result in an absent or disrupted protein product. Loss-of-function variants in CAPN3 are known to be pathogenic (PMID: 10330340, 15689361). This variant is present in population databases (rs768090444, gnomAD 0.0009%). This premature translational stop signal has been observed in individuals with autosomal recessive limb-girdle muscular dystrophy (LGMD) (PMID: 12461690, 16971480, 17157502, 18055493). ClinVar contains an entry for this variant (Variation ID: 283259). For these reasons, this variant has been classified as Pathogenic.

Natera, Inc.
Classification: Pathogenic for Limb-girdle muscular dystrophy type 2A. Last evaluated: 2025-08-28. Review status: criteria provided, single submitter. Criteria: Natera Variant Classification Schema (03/2026). Collection method: clinical testing. Allele origin: germline. Not counted in ClinVar's aggregate classification.
Comment: The c.2242C>T variant in CAPN3 is a nonsense variant predicted to introduce a stop codon at amino acid 748. This variant is expected to result in nonsense mediated decay, truncation, or a dysfunctional protein product. This variant is rare in the general population with a frequency below the threshold expected for the associated phenotype(s). This variant has been observed in one or more individuals affected with the associated recessive disease, as either homozygous or compound heterozygous with a second variant (PMID: 17994539, 12461690). Additionally, this variant has been observed to segregate in affected family members (PMID: 12461690). Functional studies show that this variant may disrupt protein function (PMID: 17994539). Given the available evidence, this variant is classified as Pathogenic.

Revvity Omics, Revvity
Classification: Pathogenic. Last evaluated: 2025-03-05. Review status: criteria provided, single submitter. Criteria: ACMG Guidelines, 2015. Collection method: clinical testing. Allele origin: germline. Not counted in ClinVar's aggregate classification.

3billion
Classification: Pathogenic for Autosomal recessive limb-girdle muscular dystrophy type 2A. Last evaluated: 2024-06-12. Review status: criteria provided, single submitter. Criteria: ACMG Guidelines, 2015. Collection method: clinical testing. Allele origin: germline. Affected: yes. Not counted in ClinVar's aggregate classification.
Comment: The variant is observed at an extremely low frequency in the gnomAD v4.0.0 dataset (total allele frequency: <0.001%). Predicted Consequence/Location: Stop-gained (nonsense): predicted to result in a loss or disruption of normal protein function through nonsense-mediated decay (NMD) or protein truncation. Multiple pathogenic variants are reported downstream of the variant. The variant has been reported at least twice as pathogenic with clinical assertions and evidence for the classification (ClinVar ID: VCV000283259 /PMID: 12461690). Therefore, this variant is classified as Pathogenic according to the recommendation of ACMG/AMP guideline.

Fulgent Genetics
Classification: Pathogenic for Autosomal recessive limb-girdle muscular dystrophy type 2A; Muscular dystrophy, limb-girdle, autosomal dominant 4. Last evaluated: 2024-06-10. Review status: criteria provided, single submitter. Criteria: ACMG Guidelines, 2015. Collection method: clinical testing. Allele origin: germline. Not counted in ClinVar's aggregate classification.

Baylor Genetics
Classification: Pathogenic for Muscular dystrophy, limb-girdle, autosomal dominant 4. Last evaluated: 2024-03-20. Review status: criteria provided, single submitter. Criteria: ACMG Guidelines, 2015. Collection method: clinical testing. Allele origin: unknown. Not counted in ClinVar's aggregate classification.

Institute of Human Genetics Munich, TUM University Hospital
Classification: Pathogenic for Autosomal recessive limb-girdle muscular dystrophy type 2A. Last evaluated: 2024-01-24. Review status: criteria provided, single submitter. Criteria: Classification criteria August 2017. Collection method: clinical testing. Allele origin: germline. Inheritance: Autosomal recessive inheritance. Affected: yes. Observed: 1 variant allele. Not counted in ClinVar's aggregate classification.

Blueprint Genetics
Classification: Pathogenic for CAPN3-related disorders. Last evaluated: 2023-10-24. Review status: criteria provided, single submitter. Criteria: ACMG Guidelines, 2015. Collection method: clinical testing. Allele origin: germline. Affected: yes. Observed: 5 variant alleles. Not counted in ClinVar's aggregate classification.

Athena Diagnostics
Classification: Pathogenic. Last evaluated: 2022-08-01. Review status: criteria provided, single submitter. Criteria: Athena Diagnostics Criteria. Collection method: clinical testing. Allele origin: unknown. Not counted in ClinVar's aggregate classification.
Comment: This variant is expected to result in the loss of a functional protein. The frequency of this variant in the general population is consistent with pathogenicity. In multiple individuals with LGMD, this variant has been seen with a single recessive pathogenic variant in the same gene, suggesting this variant may also be pathogenic.

Centre for Mendelian Genomics, University Medical Centre Ljubljana
Classification: Pathogenic for Autosomal recessive limb-girdle muscular dystrophy type 2A. Last evaluated: 2020-03-24. Review status: criteria provided, single submitter. Criteria: ACMG Guidelines, 2015. Collection method: clinical testing. Allele origin: unknown. Affected: yes. Not counted in ClinVar's aggregate classification.
Comment: This variant was classified as: Pathogenic. The following ACMG criteria were applied in classifying this variant: PVS1,PM2,PM3,PP4.

Eurofins Ntd Llc (ga)
Classification: Pathogenic. Last evaluated: 2018-05-16. Review status: criteria provided, single submitter. Criteria: EGL ClinVar v180209 classification definitions. Collection method: clinical testing. Allele origin: germline. Observed: 4 variant alleles, 4 heterozygotes. Not counted in ClinVar's aggregate classification.

Counsyl
Classification: Pathogenic for Autosomal recessive limb-girdle muscular dystrophy type 2A. Last evaluated: 2016-12-06. Review status: no assertion criteria provided. Collection method: clinical testing. Allele origin: unknown. Not counted in ClinVar's aggregate classification.

Literature cited by the submitters: PubMed 10330340 (cited by Labcorp Genetics (formerly Invitae), Labcorp); PubMed 15689361 (cited by Labcorp Genetics (formerly Invitae), Labcorp and Athena Diagnostics); PubMed 12461690 (cited by 4 submitters); PubMed 16971480 (cited by Labcorp Genetics (formerly Invitae), Labcorp and Athena Diagnostics); PubMed 17157502 (cited by Labcorp Genetics (formerly Invitae), Labcorp and Athena Diagnostics); PubMed 18055493 (cited by Labcorp Genetics (formerly Invitae), Labcorp and Athena Diagnostics); PubMed 17994539 (cited by Natera, Inc.); PubMed 16141003 (cited by Athena Diagnostics and Counsyl); PubMed 15221789 (cited by Athena Diagnostics).